The following is an entry in ClinVar:

NM_000404.4(GLB1):c.1122T>G (p.Tyr374Ter)

Gene: GLB1 (galactosidase beta 1; minus strand). Cytogenetic location: 3p22.3.
Variant type: single nucleotide variant.
Coding change: c.1122T>G on transcript NM_000404.4 (MANE Select); coding-DNA position 1122, T replaced by G.
Protein change: p.Tyr374Ter; replaces tyrosine 374 with a stop codon.
Molecular consequence: nonsense.
Genome position (GRCh38, 1-based): chr3:33,024,272, A>C on the plus strand (T>G on the coding strand, the complement: GLB1 is on the minus strand). VCF-style: chr3-33024272-A-C. GRCh37 (hg19) VCF-style: chr3-33065764-A-C.
Other names: p.Tyr374Ter; c.1032T>G, p.Tyr344Ter (NM_001079811.3); c.729T>G, p.Tyr243Ter (NM_001135602.3); c.1266T>G, p.Tyr422Ter (NM_001317040.2); c.1122T>G, p.Tyr374Ter (NM_001393580.1); short protein forms Y374*, Y422*, Y243*, Y344*.
Identifiers: ClinVar variation 1810758 (VCV001810758.3), dbSNP rs1407133452, ClinGen allele CA351995044.

ClinVar aggregate classification (germline): Pathogenic (1 of 4 stars; one submission).

Conditions:
Infantile GM1 gangliosidosis. Also called: Gangliosidosis, Generalized GM1, Type 1; GM1-gangliosidosis, type I; Gangliosidosis, generalized GM1, infantile form; GLB1 deficiency; GM1 gangliosidosis type 1. Identifiers: Orphanet 354, Orphanet 79255, MedGen C0268271, MONDO:0009260, OMIM 230500.

Submission:

Foundation for Research in Genetics and Endocrinology, FRIGE's Institute of Human Genetics
Classification: Pathogenic for Infantile GM1 gangliosidosis. Last evaluated: 2022-12-24. Review status: criteria provided, single submitter. Criteria: ACMG Guidelines, 2015. Collection method: clinical testing. Allele origin: germline. Inheritance: Autosomal recessive inheritance. Affected: yes. Observed: 1 heterozygote.
Comment: A Heterozygous missense variation in exon 11 of the GLB1 gene that results in the amino acid substitution at codon 374 was detected. The observed variant c.1122T>G (p.Tyr374Ter) has not been reported in the 1000 genomes and ExAC databases. The in silico prediction of the variant are possibly damaging by PolyPhen-2 (HumDiv) and damaging by LRT and MutationTaster2. The reference codon is conserved across species. In summary, the variant meets our criteria to be classified as pathogenic.